The following is an entry in ClinVar:

NM_001151.4(SLC25A4):c.739+5G>C

Gene: SLC25A4 (solute carrier family 25 member 4; plus strand). Cytogenetic location: 4q35.1.
Variant type: single nucleotide variant.
Coding change: c.739+5G>C on transcript NM_001151.4 (MANE Select); 5 bases into the intron after coding-DNA position 739, G replaced by C.
Molecular consequence: intron variant.
Genome position (GRCh38, 1-based): chr4:185,145,904, G>C. VCF-style: chr4-185145904-G-C. GRCh37 (hg19) VCF-style: chr4-186067058-G-C.
Identifiers: ClinVar variation 2002908 (VCV002002908.4), dbSNP rs1361082070, ClinGen allele CA557033165.
Genomic context (GRCh38, chr4:185,145,904, plus strand): 5'-CTACCCCTTTGACACTGTTCGTCGTAGAATGATGATGCAGTCCGGCCGGAAAGGGGGTAA[G>C]CTTGTGCTCTACTCATCTAAACTTGTTTGGTTTTGCCCGAGGAGAACATTTTACAGGGCT-3'

ClinVar aggregate classification (germline): Uncertain significance (1 of 4 stars; one submission).

Allele frequency attached by ClinVar (database versions not stated): gnomAD exomes below 0.00001.

Submission:

Labcorp Genetics (formerly Invitae), Labcorp
Classification: Uncertain significance. Last evaluated: 2022-07-10. Review status: criteria provided, single submitter. Criteria: Invitae Variant Classification Sherloc (09022015). Collection method: clinical testing. Allele origin: germline.
Comment: In summary, the available evidence is currently insufficient to determine the role of this variant in disease. Therefore, it has been classified as a Variant of Uncertain Significance. Variants that disrupt the consensus splice site are a relatively common cause of aberrant splicing (PMID: 17576681, 9536098). Algorithms developed to predict the effect of sequence changes on RNA splicing suggest that this variant may disrupt the consensus splice site. This variant has not been reported in the literature in individuals affected with SLC25A4-related conditions. This variant is present in population databases (no rsID available, gnomAD 0.0009%). This sequence change falls in intron 3 of the SLC25A4 gene. It does not directly change the encoded amino acid sequence of the SLC25A4 protein. It affects a nucleotide within the consensus splice site.

Literature cited by the submitters: PubMed 17576681; PubMed 9536098.